The following is an entry in ClinVar:

NM_001278116.2(L1CAM):c.2544C>A (p.Tyr848Ter)

Gene: L1CAM (L1 cell adhesion molecule; minus strand). Cytogenetic location: Xq28.
Variant type: single nucleotide variant.
Coding change: c.2544C>A on transcript NM_001278116.2 (MANE Select); coding-DNA position 2544, C replaced by A.
Protein change: p.Tyr848Ter; replaces tyrosine 848 with a stop codon.
Molecular consequence: nonsense.
Genome position (GRCh38, 1-based): chrX:153,865,707, G>T on the plus strand (C>A on the coding strand, the complement: L1CAM is on the minus strand). VCF-style: chrX-153865707-G-T. GRCh37 (hg19) VCF-style: chrX-153131162-G-T.
Other names: c.2544C>A, p.Tyr848Ter (NM_000425.5, NM_024003.3); c.2529C>A, p.Tyr843Ter (NM_001143963.2); short protein forms Y848*, Y843*.
Identifiers: ClinVar variation 265226 (VCV000265226.8), dbSNP rs886039410, ClinGen allele CA10588747.

ClinVar aggregate classification (germline): Pathogenic. Review status: criteria provided, multiple submitters, no conflicts (2 of 4 stars). 2 submissions from 2 submitters: Pathogenic (2). Last evaluated 2018-05-16.

Conditions:
Spastic paraplegia. Identifiers: MedGen C0037772, HP:0001258.

Submissions (2):

Labcorp Genetics (formerly Invitae), Labcorp
Classification: Pathogenic for Spastic paraplegia. Last evaluated: 2018-05-16. Review status: criteria provided, single submitter. Criteria: Invitae Variant Classification Sherloc (09022015). Collection method: clinical testing. Allele origin: germline.
Comment: Loss-of-function variants in L1CAM are known to be pathogenic (PMID: 19846429). For these reasons, this variant has been classified as Pathogenic. This variant has not been reported in the literature in individuals with L1CAM-related disease. ClinVar contains an entry for this variant (Variation ID: 265226). This variant is not present in population databases (ExAC no frequency). This sequence change creates a premature translational stop signal (p.Tyr848*) in the L1CAM gene. It is expected to result in an absent or disrupted protein product.

GeneDx
Classification: Pathogenic. Last evaluated: 2015-05-04. Review status: criteria provided, single submitter. Criteria: GeneDx Variant Classification (06012015). Collection method: clinical testing. Allele origin: germline. Affected: yes.
Comment: The Y848X nonsense variant in the L1CAM gene is predicted to cause loss of normal protein function either through protein truncation or nonsense-mediated mRNA decay. It was not observed in approximately 6,500 individuals of European and African American ancestry in the NHLBI Exome Sequencing Project, indicating it is not a common benign variant in these populations. Although this variant has not been reported previously to our knowledge, many other nonsense variants have been reported in the Human Gene Mutation Database in association with L1CAM-related disorders (Stenson et al., 2014).

Literature cited by the submitters: PubMed 19846429 (cited by Labcorp Genetics (formerly Invitae), Labcorp).